The following is an entry in ClinVar:

NM_058216.3(RAD51C):c.947A>G (p.His316Arg)

Gene: RAD51C (RAD51 paralog C; plus strand). Cytogenetic location: 17q22.
Variant type: single nucleotide variant.
Coding change: c.947A>G on transcript NM_058216.3 (MANE Select); coding-DNA position 947, A replaced by G.
Protein change: p.His316Arg; replaces histidine 316 with arginine.
Molecular consequence: missense variant. On other transcripts: non-coding transcript variant (1).
Genome position (GRCh38, 1-based): chr17:58,724,082, A>G. VCF-style: chr17-58724082-A-G. GRCh37 (hg19) VCF-style: chr17-56801443-A-G.
Other names: short protein forms H316R.
Identifiers: ClinVar variation 1098915 (VCV001098915.2), dbSNP rs2143962686, ClinGen allele CA400361500.

ClinVar aggregate classification (germline): Uncertain significance. Review status: criteria provided, multiple submitters, no conflicts (2 of 4 stars). 2 submissions from 2 submitters: Uncertain significance (2). Last evaluated 2025-05-06.

Conditions:
Breast-ovarian cancer, familial, susceptibility to, 3. Also called: RAD51C-Related Breast/Ovarian Cancer. Identifiers: Orphanet 145, MedGen C3150659, MONDO:0013253, OMIM 613399.
Fanconi anemia complementation group O. Also called: RAD51C-Related Fanconi Anemia. Identifiers: Orphanet 84, MedGen C3150653, MONDO:0013248, OMIM 613390.

Submissions (2):

Labcorp Genetics (formerly Invitae), Labcorp
Classification: Uncertain significance for Fanconi anemia complementation group O. Last evaluated: 2025-05-06. Review status: criteria provided, single submitter. Criteria: Invitae Variant Classification Sherloc (09022015). Collection method: clinical testing. Allele origin: germline.
Comment: This sequence change replaces histidine, which is basic and polar, with arginine, which is basic and polar, at codon 316 of the RAD51C protein (p.His316Arg). This variant is not present in population databases (gnomAD no frequency). This missense change has been observed in individual(s) with RAD51C-related cancers (PMID: 26057125). ClinVar contains an entry for this variant (Variation ID: 1098915). Invitae Evidence Modeling of protein sequence and biophysical properties (such as structural, functional, and spatial information, amino acid conservation, physicochemical variation, residue mobility, and thermodynamic stability) indicates that this missense variant is not expected to disrupt RAD51C protein function with a negative predictive value of 80%. In summary, the available evidence is currently insufficient to determine the role of this variant in disease. Therefore, it has been classified as a Variant of Uncertain Significance.

Hereditary Cancer Group, L’Institut d'Investigació Biomèdica de Bellvitge
Classification: Uncertain significance for Breast-ovarian cancer, familial, susceptibility to, 3. Last evaluated: 2021-05-03. Review status: criteria provided, single submitter. Criteria: ACMG Guidelines, 2015. Collection method: curation. Allele origin: germline.

Literature cited by the submitters: PubMed 26057125 (cited by Labcorp Genetics (formerly Invitae), Labcorp and Hereditary Cancer Group, L’Institut d'Investigació Biomèdica de Bellvitge).